The following is an entry in ClinVar:

ClinVar aggregate classification (germline): Uncertain significance (1 of 4 stars; one submission).

gnomAD v4.1: 9 of 1,614,010 alleles (0.00056%); highest among the groups gnomAD compares: East Asian, 0.0045%; no homozygotes.

Submission:

Labcorp Genetics (formerly Invitae), Labcorp
Classification: Uncertain significance. Last evaluated: 2025-09-17. Review status: criteria provided, single submitter. Criteria: Invitae Variant Classification Sherloc (09022015). Collection method: clinical testing. Allele origin: germline.
Comment: This sequence change replaces arginine, which is basic and polar, with histidine, which is basic and polar, at codon 146 of the NLRP1 protein (p.Arg146His). This variant is not present in population databases (gnomAD no frequency). This variant has not been reported in the literature in individuals affected with NLRP1-related conditions. ClinVar contains an entry for this variant (Variation ID: 3604689). An algorithm developed to predict the effect of missense changes on protein structure and function outputs the following: PolyPhen-2: "Benign". The histidine amino acid residue is found in multiple mammalian species, which suggests that this missense change does not adversely affect protein function. In summary, the available evidence is currently insufficient to determine the role of this variant in disease. Therefore, it has been classified as a Variant of Uncertain Significance.

NM_033004.4(NLRP1):c.437G>A (p.Arg146His)

Gene: NLRP1 (NLR family pyrin domain containing 1; minus strand). Cytogenetic location: 17p13.2.
Variant type: single nucleotide variant.
Coding change: c.437G>A on transcript NM_033004.4 (MANE Select); coding-DNA position 437, G replaced by A.
Protein change: p.Arg146His; replaces arginine 146 with histidine.
Molecular consequence: missense variant.
Genome position (GRCh38, 1-based): chr17:5,582,681, C>T on the plus strand (G>A on the coding strand, the complement: NLRP1 is on the minus strand). VCF-style: chr17-5582681-C-T. GRCh37 (hg19) VCF-style: chr17-5486001-C-T.
Other names: c.437G>A, p.Arg146His (NM_001033053.3, NM_014922.5, NM_033006.4 and 1 more transcripts); short protein forms R146H.
Identifiers: ClinVar variation 3604689 (VCV003604689.2).